The following is an entry in ClinVar:

ClinVar aggregate classification (germline): Uncertain significance (1 of 4 stars; one submission).

Conditions:
Acrocallosal syndrome (ACLS). Also called: HALLUX DUPLICATION, POSTAXIAL POLYDACTYLY, AND ABSENCE OF CORPUS CALLOSUM; Schinzel syndrome 1; Absence of corpus callosum with unusual facial appearance, mental deficiency, duplication of the halluces and polydactyly. Identifiers: Orphanet 36, MedGen C0796147, MONDO:0008708, OMIM 200990.

Allele frequency attached by ClinVar (database versions not stated): gnomAD exomes below 0.00001.
gnomAD v4.1: 1 of 1,610,192 alleles (0.000062%); highest among the groups gnomAD compares: East Asian, 0.0022%; no homozygotes.

Submission:

Labcorp Genetics (formerly Invitae), Labcorp
Classification: Uncertain significance for Acrocallosal syndrome. Last evaluated: 2022-04-28. Review status: criteria provided, single submitter. Criteria: Invitae Variant Classification Sherloc (09022015). Collection method: clinical testing. Allele origin: germline.
Comment: This sequence change falls in intron 6 of the KIF7 gene. It does not directly change the encoded amino acid sequence of the KIF7 protein. It affects a nucleotide within the consensus splice site. This variant is not present in population databases (gnomAD no frequency). This variant has not been reported in the literature in individuals affected with KIF7-related conditions. Variants that disrupt the consensus splice site are a relatively common cause of aberrant splicing (PMID: 17576681, 9536098). Algorithms developed to predict the effect of sequence changes on RNA splicing suggest that this variant is not likely to affect RNA splicing. In summary, the available evidence is currently insufficient to determine the role of this variant in disease. Therefore, it has been classified as a Variant of Uncertain Significance.

Literature cited by the submitters: PubMed 17576681; PubMed 9536098.

NM_198525.3(KIF7):c.1560+5G>A

Gene: KIF7 (kinesin family member 7; minus strand). Cytogenetic location: 15q26.1.
Variant type: single nucleotide variant.
Coding change: c.1560+5G>A on transcript NM_198525.3 (MANE Select); 5 bases into the intron after coding-DNA position 1560, G replaced by A.
Molecular consequence: intron variant.
Genome position (GRCh38, 1-based): chr15:89,647,591, C>T on the plus strand (G>A on the coding strand, the complement: KIF7 is on the minus strand). VCF-style: chr15-89647591-C-T. GRCh37 (hg19) VCF-style: chr15-90190822-C-T.
Identifiers: ClinVar variation 2158767 (VCV002158767.1), dbSNP rs2505490020, ClinGen allele CA2580090346.